The following is an entry in ClinVar:

ClinVar aggregate classification (germline): Uncertain significance. Review status: criteria provided, multiple submitters, no conflicts (2 of 4 stars). 2 submissions from 2 submitters: Uncertain significance (2). Last evaluated 2023-05-25.

Conditions:
Pitt-Hopkins-like syndrome 2 (PTHSL2). Identifiers: Orphanet 221150, Orphanet 600663, MedGen C3280479, MONDO:0013690, OMIM 614325.

Allele frequency attached by ClinVar (database versions not stated): gnomAD exomes below 0.00001.
gnomAD v4.1: 1 of 1,612,576 alleles (0.000062%); highest among the groups gnomAD compares: East Asian, 0.0022%; no homozygotes.

Submissions (2):

Labcorp Genetics (formerly Invitae), Labcorp
Classification: Uncertain significance for Pitt-Hopkins-like syndrome 2. Last evaluated: 2023-05-25. Review status: criteria provided, single submitter. Criteria: Invitae Variant Classification Sherloc (09022015). Collection method: clinical testing. Allele origin: germline.
Comment: The frequency data for this variant in the population databases is considered unreliable, as metrics indicate poor data quality at this position in the gnomAD database. In summary, the available evidence is currently insufficient to determine the role of this variant in disease. Therefore, it has been classified as a Variant of Uncertain Significance. An algorithm developed to predict the effect of missense changes on protein structure and function (PolyPhen-2) suggests that this variant is likely to be disruptive. ClinVar contains an entry for this variant (Variation ID: 1194402). This variant has not been reported in the literature in individuals affected with NRXN1-related conditions. This sequence change replaces glutamine, which is neutral and polar, with arginine, which is basic and polar, at codon 770 of the NRXN1 protein (p.Gln770Arg).

GeneDx
Classification: Uncertain significance. Last evaluated: 2019-06-17. Review status: criteria provided, single submitter. Criteria: GeneDx Variant Classification Process June 2021. Collection method: clinical testing. Allele origin: germline. Affected: yes.
Comment: Not observed at a significant frequency in large population cohorts (Lek et al., 2016); In silico analysis, which includes protein predictors and evolutionary conservation, supports that this variant does not alter protein structure/function; Has not been previously published as pathogenic or benign to our knowledge

NM_001330078.2(NRXN1):c.2189A>G (p.Gln730Arg)

Gene: NRXN1 (neurexin 1; minus strand). Cytogenetic location: 2p16.3.
Variant type: single nucleotide variant.
Coding change: c.2189A>G on transcript NM_001330078.2 (MANE Select); coding-DNA position 2189, A replaced by G.
Protein change: p.Gln730Arg; replaces glutamine 730 with arginine.
Molecular consequence: missense variant.
Genome position (GRCh38, 1-based): chr2:50,531,385, T>C on the plus strand (A>G on the coding strand, the complement: NRXN1 is on the minus strand). VCF-style: chr2-50531385-T-C. GRCh37 (hg19) VCF-style: chr2-50758523-T-C.
Other names: c.2309A>G, p.Gln770Arg (NM_001135659.3); c.2165A>G, p.Gln722Arg (NM_001330077.2, NM_001330082.2, NM_001330095.2); c.2150A>G, p.Gln717Arg (NM_001330083.2, NM_001330084.2); c.2189A>G, p.Gln730Arg (NM_001330085.2, NM_001330086.2, NM_004801.6); c.2105A>G, p.Gln702Arg (NM_001330087.2, NM_001330096.2); c.2135A>G, p.Gln712Arg (NM_001330088.2); c.2186A>G, p.Gln729Arg (NM_001330093.2); c.2177A>G, p.Gln726Arg (NM_001330094.2); short protein forms Q702R, Q712R, Q717R, Q722R, Q726R, Q729R, Q730R, Q770R.
Identifiers: ClinVar variation 1194402 (VCV001194402.5), dbSNP rs1188436441, ClinGen allele CA346769717.